The following is an entry in ClinVar:

NM_004715.5(CTDP1):c.1042C>T (p.Arg348Ter)

Gene: CTDP1 (CTD phosphatase 1; plus strand). Cytogenetic location: 18q23.
Variant type: single nucleotide variant.
Coding change: c.1042C>T on transcript NM_004715.5 (MANE Select); coding-DNA position 1042, C replaced by T.
Protein change: p.Arg348Ter; replaces arginine 348 with a stop codon.
Molecular consequence: nonsense.
Genome position (GRCh38, 1-based): chr18:79,714,502, C>T. VCF-style: chr18-79714502-C-T. GRCh37 (hg19) VCF-style: chr18-77474502-C-T.
Other names: c.685C>T, p.Arg229Ter (NM_001202504.1); c.1042C>T, p.Arg348Ter (NM_001318511.2, NM_048368.4); short protein forms R348*, R229*.
Identifiers: ClinVar variation 392400 (VCV000392400.5), dbSNP rs143386695, ClinGen allele CA9010190.

ClinVar aggregate classification (germline): Uncertain significance. Review status: criteria provided, multiple submitters, no conflicts (2 of 4 stars). 2 submissions from 2 submitters: Uncertain significance (2). Last evaluated 2021-03-29.

Allele frequency attached by ClinVar (database versions not stated): gnomAD 0.00001; gnomAD exomes 0.00001; ExAC 0.00002; ESP Exome Variant Server 0.00008.
gnomAD v4.1: 12 of 1,613,000 alleles (0.00074%); highest among the groups gnomAD compares: Non-Finnish European, 0.001%; no homozygotes.

Submissions (2):

Blueprint Genetics
Classification: Uncertain significance. Last evaluated: 2021-03-29. Review status: criteria provided, single submitter. Criteria: ACMG Guidelines, 2015. Collection method: clinical testing. Allele origin: germline.

GeneDx
Classification: Uncertain significance. Last evaluated: 2019-11-25. Review status: criteria provided, single submitter. Criteria: GeneDx Variant Classification Process June 2021. Collection method: clinical testing. Allele origin: germline. Affected: yes.
Comment: Not observed at a significant frequency in large population cohorts (Lek et al., 2016); Nonsense variant predicted to result in protein truncation or nonsense mediated decay in a gene for which loss-of-function is not a known mechanism of disease; Has not been previously published as pathogenic or benign to our knowledge